The following is an entry in ClinVar:

NM_000465.4(BARD1):c.632del (p.Thr210_Leu211insTer)

Gene: BARD1 (BRCA1 associated RING domain 1; minus strand). Cytogenetic location: 2q35.
Variant type: Deletion.
Coding change: c.632del on transcript NM_000465.4 (MANE Select); coding-DNA position 632, one base deleted (T; older notation c.632delT).
Protein change: p.Thr210_Leu211insTer.
Molecular consequence: nonsense. On other transcripts: non-coding transcript variant (2), intron variant (3).
Genome position (GRCh38, 1-based): chr2:214,781,242, A deleted on the plus strand (T on the coding strand, the reverse complement: BARD1 is on the minus strand); the first of 3 consecutive A bases (chr2:214,781,242-214,781,244); deleting any one gives the same sequence. VCF-style (leftmost placement, unchanged base first): chr2-214781241-TA-T. GRCh37 (hg19) VCF-style: chr2-215645965-TA-T.
Other names: c.575del, p.Thr191_Leu192insTer (NM_001282543.2); c.158+28170del (NM_001282548.2); c.215+15819del (NM_001282545.2); c.364+11055del (NM_001282549.2).
Identifiers: ClinVar variation 1752894 (VCV001752894.8), dbSNP rs999444545, ClinGen allele CA2580065693.

ClinVar aggregate classification (germline): Pathogenic. Review status: criteria provided, multiple submitters, no conflicts (2 of 4 stars). 2 submissions from 2 submitters: Pathogenic (2). Last evaluated 2025-03-24.

Conditions:
Hereditary cancer-predisposing syndrome. Also called: Neoplastic Syndromes, Hereditary; Tumor predisposition; Hereditary Cancer Syndrome; Hereditary neoplastic syndrome. Identifiers: Orphanet 140162, MedGen C0027672, MeSH D009386, MONDO:0015356.
Familial cancer of breast. Also called: BREAST CANCER, FAMILIAL; hereditary breast carcinoma; Hereditary breast cancer. Identifiers: Orphanet 227535, MedGen C0346153, MONDO:0016419, OMIM 114480. Disease mechanism: loss of function.

Submissions (2):

Ambry Genetics
Classification: Pathogenic for Hereditary cancer-predisposing syndrome. Last evaluated: 2025-03-24. Review status: criteria provided, single submitter. Criteria: Ambry Variant Classification Scheme 2023. Collection method: clinical testing. Allele origin: germline.
Comment: The c.632delT pathogenic mutation, located in coding exon 4 of the BARD1 gene, results from a deletion of one nucleotide at nucleotide position 632, causing a translational frameshift with a predicted alternate stop codon (p.L211*). This variant is considered to be rare based on population cohorts in the Genome Aggregation Database (gnomAD). This alteration is expected to result in loss of function by premature protein truncation or nonsense-mediated mRNA decay. As such, this alteration is interpreted as a disease-causing mutation.

Labcorp Genetics (formerly Invitae), Labcorp
Classification: Pathogenic for Familial cancer of breast. Last evaluated: 2024-05-21. Review status: criteria provided, single submitter. Criteria: Invitae Variant Classification Sherloc (09022015). Collection method: clinical testing. Allele origin: germline.
Comment: This sequence change creates a premature translational stop signal (p.Leu211*) in the BARD1 gene. It is expected to result in an absent or disrupted protein product. Loss-of-function variants in BARD1 are known to be pathogenic (PMID: 20077502, 21344236). This variant is not present in population databases (gnomAD no frequency). This premature translational stop signal has been observed in individual(s) with pancreatic (PMID: 28726808, 31159747). ClinVar contains an entry for this variant (Variation ID: 1752894). For these reasons, this variant has been classified as Pathogenic.

Literature cited by the submitters: PubMed 20077502 (cited by Labcorp Genetics (formerly Invitae), Labcorp); PubMed 21344236 (cited by Labcorp Genetics (formerly Invitae), Labcorp); PubMed 28726808 (cited by Labcorp Genetics (formerly Invitae), Labcorp); PubMed 31159747 (cited by Labcorp Genetics (formerly Invitae), Labcorp).